The following is an entry in ClinVar:

ClinVar aggregate classification (germline): Uncertain significance. Review status: criteria provided, multiple submitters, no conflicts (2 of 4 stars). 2 submissions from 2 submitters: Uncertain significance (2). Last evaluated 2022-04-02.

Conditions:
Primary open angle glaucoma (POAG). Also called: OPTN-related open angle glaucoma. Identifiers: MedGen C0339573, MONDO:0100553, OMIM 137760.
Glaucoma 1, open angle, E. Identifiers: MedGen C1842026, MONDO:0007665.
Amyotrophic lateral sclerosis type 12 (ALS12). Also called: AMYOTROPHIC LATERAL SCLEROSIS 12 WITH OR WITHOUT FRONTOTEMPORAL DEMENTIA. Identifiers: Orphanet 803, MedGen C3150692, MONDO:0013264, OMIM 613435.
Inborn genetic diseases. Identifiers: MedGen C0950123, MeSH D030342.

Allele frequency attached by ClinVar (database versions not stated): gnomAD exomes below 0.00001; ExAC 0.00001.
gnomAD v4.1: 3 of 1,614,194 alleles (0.00019%); highest among the groups gnomAD compares: Non-Finnish European, 0.00025%; no homozygotes.

Submissions (2):

Labcorp Genetics (formerly Invitae), Labcorp
Classification: Uncertain significance for Primary open angle glaucoma; Glaucoma 1, open angle, E; Amyotrophic lateral sclerosis type 12. Last evaluated: 2022-04-02. Review status: criteria provided, single submitter. Criteria: Invitae Variant Classification Sherloc (09022015). Collection method: clinical testing. Allele origin: germline.
Comment: This sequence change replaces proline, which is neutral and non-polar, with leucine, which is neutral and non-polar, at codon 563 of the OPTN protein (p.Pro563Leu). In summary, the available evidence is currently insufficient to determine the role of this variant in disease. Therefore, it has been classified as a Variant of Uncertain Significance. Algorithms developed to predict the effect of missense changes on protein structure and function are either unavailable or do not agree on the potential impact of this missense change (SIFT: "Deleterious"; PolyPhen-2: "Probably Damaging"; Align-GVGD: "Class C15"). This variant has not been reported in the literature in individuals affected with OPTN-related conditions. This variant is present in population databases (rs754699044, gnomAD 0.002%).

Ambry Genetics
Classification: Uncertain significance for Inborn genetic diseases. Last evaluated: 2020-03-20. Review status: criteria provided, single submitter. Criteria: Ambry Variant Classification Scheme 2023. Collection method: clinical testing. Allele origin: germline.
Comment: The p.P563L variant (also known as c.1688C>T), located in coding exon 13 of the OPTN gene, results from a C to T substitution at nucleotide position 1688. The proline at codon 563 is replaced by leucine, an amino acid with similar properties. This amino acid position is highly conserved in available vertebrate species. In addition, this alteration is predicted to be deleterious by in silico analysis. Since supporting evidence is limited at this time, the clinical significance of this alteration remains unclear.

NM_001008212.2(OPTN):c.1688C>T (p.Pro563Leu)

Gene: OPTN (optineurin; plus strand). Cytogenetic location: 10p13.
Variant type: single nucleotide variant.
Coding change: c.1688C>T on transcript NM_001008212.2 (MANE Select); coding-DNA position 1688, C replaced by T.
Protein change: p.Pro563Leu; replaces proline 563 with leucine.
Molecular consequence: missense variant.
Genome position (GRCh38, 1-based): chr10:13,136,820, C>T. VCF-style: chr10-13136820-C-T. GRCh37 (hg19) VCF-style: chr10-13178820-C-T.
Other names: c.1688C>T, p.Pro563Leu (NM_001008211.1, NM_001008213.1, NM_021980.4); short protein forms P563L.
Identifiers: ClinVar variation 1778057 (VCV001778057.7), dbSNP rs754699044, ClinGen allele CA5411052.